The following is an entry in ClinVar:

ClinVar aggregate classification (germline): Uncertain significance (1 of 4 stars; one submission).

Conditions:
Thrombophilia due to protein C deficiency, autosomal dominant. Also called: PROC DEFICIENCY, AUTOSOMAL DOMINANT; PROTEIN C DEFICIENCY, AUTOSOMAL DOMINANT. Identifiers: Orphanet 745, MedGen C2674321, MONDO:0008316, OMIM 176860. Disease mechanism: loss of function.

Allele frequency attached by ClinVar (database versions not stated): gnomAD exomes below 0.00001 and 0.00001; ExAC 0.00001; gnomAD 0.00001; TOPMed 0.00001.

Submission:

Labcorp Genetics (formerly Invitae), Labcorp
Classification: Uncertain significance for Thrombophilia due to protein C deficiency, autosomal dominant. Last evaluated: 2025-06-10. Review status: criteria provided, single submitter. Criteria: Invitae Variant Classification Sherloc (09022015). Collection method: clinical testing. Allele origin: germline.
Comment: This sequence change replaces proline, which is neutral and non-polar, with serine, which is neutral and polar, at codon 96 of the PROC protein (p.Pro96Ser). The frequency data for this variant in the population databases is considered unreliable, as metrics indicate poor data quality at this position in the gnomAD database. This missense change has been observed in individual(s) with protein C deficiency (PMID: 7981702, 8972002, 32717757). It has also been observed to segregate with disease in related individuals. This variant is also known as Pro54Ser. ClinVar contains an entry for this variant (Variation ID: 237633). An algorithm developed to predict the effect of missense changes on protein structure and function (PolyPhen-2) suggests that this variant is likely to be disruptive. In summary, the available evidence is currently insufficient to determine the role of this variant in disease. Therefore, it has been classified as a Variant of Uncertain Significance.

Literature cited by the submitters: PubMed 7981702; PubMed 8972002; PubMed 32717757.

NM_000312.4(PROC):c.286C>T (p.Pro96Ser)

Gene: PROC (protein C, inactivator of coagulation factors Va and VIIIa; plus strand). Cytogenetic location: 2q14.3.
Variant type: single nucleotide variant.
Coding change: c.286C>T on transcript NM_000312.4 (MANE Select); coding-DNA position 286, C replaced by T.
Protein change: p.Pro96Ser; replaces proline 96 with serine.
Molecular consequence: missense variant. On other transcripts: synonymous variant (1).
Genome position (GRCh38, 1-based): chr2:127,423,057, C>T. VCF-style: chr2-127423057-C-T. GRCh37 (hg19) VCF-style: chr2-128180633-C-T.
Other names: c.469C>T, p.Pro157Ser (NM_001375602.1); c.349C>T, p.Pro117Ser (NM_001375603.1, NM_001375604.1); c.286C>T, p.Pro96Ser (NM_001375605.1, NM_001375608.1, NM_001375611.1 and 1 more transcripts); c.441C>T, p.Cys147= (NM_001375606.1); c.370C>T, p.Pro124Ser (NM_001375607.1); c.262C>T, p.Pro88Ser (NM_001375609.1); c.280C>T, p.Pro94Ser (NM_001375610.1); short protein forms P96S, P117S, P124S, P157S, P88S, P94S.
Identifiers: ClinVar variation 237633 (VCV000237633.5), dbSNP rs774908523, ClinGen allele CA1859309.